The following is an entry in ClinVar:

ClinVar aggregate classification (germline): Conflicting classifications of pathogenicity. Review status: criteria provided, conflicting classifications (1 of 4 stars). 6 submissions from 6 submitters: Uncertain significance (1); Benign (2); Likely benign (2). 1 of the submissions does not count toward it. Last evaluated 2026-10-01.

Conditions:
Mitochondrial complex V (ATP synthase) deficiency, nuclear type 1. Also called: Nuclear-Encoded ATPase Deficiency, ATPAF2-Related; MITOCHONDRIAL COMPLEX V (ATP SYNTHASE) DEFICIENCY, ATPAF2 TYPE. Identifiers: Orphanet 254913, MedGen C3276276, MONDO:0011421, OMIM 604273.

Allele frequency attached by ClinVar (database versions not stated): 1000 Genomes Project 30x 0.00031; 1000 Genomes Project 0.00040; ESP Exome Variant Server 0.00085; ExAC 0.00094; gnomAD exomes 0.00107 and 0.00115; gnomAD 0.00113 and 0.00118; TOPMed 0.00115.

Submissions (6):

CeGaT Center for Human Genetics Tuebingen
Classification: Likely benign. Last evaluated: 2026-10-01. Review status: criteria provided, single submitter. Criteria: CeGaT Center For Human Genetics Tuebingen Variant Classification Criteria Version 2. Collection method: clinical testing. Allele origin: germline. Affected: yes. Observed: 7 variant alleles.
Comment: ATPAF2: BP4, BP7

Labcorp Genetics (formerly Invitae), Labcorp
Classification: Benign. Last evaluated: 2026-01-24. Review status: criteria provided, single submitter. Criteria: Invitae Variant Classification Sherloc (09022015). Collection method: clinical testing. Allele origin: germline.

Blueprint Genetics
Classification: Likely benign. Last evaluated: 2024-11-28. Review status: criteria provided, single submitter. Criteria: ACMG Guidelines, 2015. Collection method: clinical testing. Allele origin: germline.

Illumina Laboratory Services, Illumina
Classification: Uncertain significance for Mitochondrial complex V (ATP synthase) deficiency, nuclear type 1. Last evaluated: 2018-01-13. Review status: criteria provided, single submitter. Criteria: ICSL Variant Classification Criteria 13 December 2019. Collection method: clinical testing. Allele origin: germline.

GeneDx
Classification: Benign. Last evaluated: 2014-04-16. Review status: criteria provided, single submitter. Criteria: GeneDx Variant Classification (06012015). Collection method: clinical testing. Allele origin: germline. Affected: yes.
Comment: This variant is considered likely benign or benign based on one or more of the following criteria: it is a conservative change, it occurs at a poorly conserved position in the protein, it is predicted to be benign by multiple in silico algorithms, and/or has population frequency not consistent with disease.

Mayo Clinic Laboratories, Mayo Clinic
Classification: Likely benign. Last evaluated: 2016-03-09. Review status: no assertion criteria provided. Collection method: clinical testing. Allele origin: unknown. Not counted in ClinVar's aggregate classification.

NM_145691.4(ATPAF2):c.346T>C (p.Leu116=)

Gene: ATPAF2 (ATP synthase mitochondrial F1 complex assembly factor 2; minus strand). Cytogenetic location: 17p11.2.
Variant type: single nucleotide variant.
Coding change: c.346T>C on transcript NM_145691.4 (MANE Select); coding-DNA position 346, T replaced by C.
Protein change: p.Leu116=; no amino-acid change (leucine 116 retained).
Molecular consequence: synonymous variant.
Genome position (GRCh38, 1-based): chr17:18,026,395, A>G on the plus strand (T>C on the coding strand, the complement: ATPAF2 is on the minus strand). VCF-style: chr17-18026395-A-G. GRCh37 (hg19) VCF-style: chr17-17929709-A-G.
Other names: p.L116L:TTG>CTG.
Identifiers: ClinVar variation 136466 (VCV000136466.51), dbSNP rs144484457, ClinGen allele CA289602.